The following is an entry in ClinVar:

ClinVar aggregate classification (germline): Uncertain significance. Review status: criteria provided, single submitter (1 of 4 stars). 2 submissions from 2 submitters: Uncertain significance (1). 1 of the submissions does not count toward it. Last evaluated 2021-12-13.

Conditions:
DNAH11-related disorder. Also called: DNAH11-related condition.
Primary ciliary dyskinesia. Also called: Ciliary dyskinesia. Identifiers: Orphanet 244, MedGen C0008780, MONDO:0016575, HP:0012265.

Allele frequency attached by ClinVar (database versions not stated): gnomAD exomes below 0.00001; ExAC 0.00001; gnomAD 0.00001.
gnomAD v4.1: 9 of 1,602,666 alleles (0.00056%); highest among the groups gnomAD compares: South Asian, 0.0023%; no homozygotes.

Submissions (2):

Ambry Genetics
Classification: Uncertain significance for Primary ciliary dyskinesia. Last evaluated: 2021-12-13. Review status: criteria provided, single submitter. Criteria: Ambry Variant Classification Scheme 2023. Collection method: clinical testing. Allele origin: germline.
Comment: The p.R2596W variant (also known as c.7786C>T), located in coding exon 47 of the DNAH11 gene, results from a C to T substitution at nucleotide position 7786. The arginine at codon 2596 is replaced by tryptophan, an amino acid with dissimilar properties. This amino acid position is highly conserved in available vertebrate species. In addition, the in silico prediction for this alteration is inconclusive. Since supporting evidence is limited at this time, the clinical significance of this alteration remains unclear.

PreventionGenetics, part of Exact Sciences
Classification: Uncertain significance for DNAH11-related condition. Last evaluated: 2023-11-11. Review status: no assertion criteria provided. Collection method: clinical testing. Allele origin: germline. Not counted in ClinVar's aggregate classification.
Comment: The DNAH11 c.7786C>T variant is predicted to result in the amino acid substitution p.Arg2596Trp. This variant has been reported in an individual with idiopathic ventricular fibrillation who also carried a MYH6 variant (Lam et al. 2015. PubMed ID: 28491533, Table S1). This variant is reported in 0.00093% of alleles in individuals of European (Non-Finnish) descent in gnomAD. An alternative variant affecting the same amino acid (p.Arg2596Gln) has been reported in the compound heterozygous state in a patient with primary ciliary dyskinesia (PCD) (Xiong. 2021. PubMed ID: 34405951). At this time, the clinical significance of this variant is uncertain due to the absence of conclusive functional and genetic evidence.

NM_001277115.2(DNAH11):c.7786C>T (p.Arg2596Trp)

Gene: DNAH11 (dynein axonemal heavy chain 11; plus strand). Cytogenetic location: 7p15.3.
Variant type: single nucleotide variant.
Coding change: c.7786C>T on transcript NM_001277115.2 (MANE Select); coding-DNA position 7786, C replaced by T.
Protein change: p.Arg2596Trp; replaces arginine 2596 with tryptophan.
Molecular consequence: missense variant.
Genome position (GRCh38, 1-based): chr7:21,738,841, C>T. VCF-style: chr7-21738841-C-T. GRCh37 (hg19) VCF-style: chr7-21778459-C-T.
Other names: c.7807C>T, p.Arg2603Trp (NM_003777.3); short protein forms R2596W, R2603W.
Identifiers: ClinVar variation 1760617 (VCV001760617.4), dbSNP rs770163877, ClinGen allele CA4181346.